The following is an entry in ClinVar:

ClinVar aggregate classification (germline): Conflicting classifications of pathogenicity. Review status: criteria provided, conflicting classifications (1 of 4 stars). 2 submissions from 2 submitters: Likely pathogenic (1); Uncertain significance (1). Last evaluated 2024-02-22.

Allele frequency attached by ClinVar (database versions not stated): ExAC 0.00001; gnomAD 0.00001; gnomAD exomes 0.00001; TOPMed 0.00002.
gnomAD v4.1: 16 of 1,613,762 alleles (0.00099%); highest among the groups gnomAD compares: African/African-American, 0.0067%; no homozygotes.

Submissions (2):

Labcorp Genetics (formerly Invitae), Labcorp
Classification: Likely pathogenic. Last evaluated: 2024-02-22. Review status: criteria provided, single submitter. Criteria: Invitae Variant Classification Sherloc (09022015). Collection method: clinical testing. Allele origin: germline.
Comment: This sequence change replaces arginine, which is basic and polar, with histidine, which is basic and polar, at codon 1368 of the ABCA4 protein (p.Arg1368His). This variant is present in population databases (rs761163530, gnomAD 0.008%). This variant has not been reported in the literature in individuals affected with ABCA4-related conditions. ClinVar contains an entry for this variant (Variation ID: 1479388). Advanced modeling of protein sequence and biophysical properties (such as structural, functional, and spatial information, amino acid conservation, physicochemical variation, residue mobility, and thermodynamic stability) performed at Invitae indicates that this missense variant is expected to disrupt ABCA4 protein function with a positive predictive value of 95%. This variant disrupts the p.Arg1368 amino acid residue in ABCA4. Other variant(s) that disrupt this residue have been observed in individuals with ABCA4-related conditions (PMID: 22229821; Invitae), which suggests that this may be a clinically significant amino acid residue. In summary, the currently available evidence indicates that the variant is pathogenic, but additional data are needed to prove that conclusively. Therefore, this variant has been classified as Likely Pathogenic.

Blueprint Genetics
Classification: Uncertain significance. Last evaluated: 2022-10-26. Review status: criteria provided, single submitter. Criteria: ACMG Guidelines, 2015. Collection method: clinical testing. Allele origin: germline.

Literature cited by the submitters: PubMed 22229821 (cited by Labcorp Genetics (formerly Invitae), Labcorp).

NM_000350.3(ABCA4):c.4103G>A (p.Arg1368His)

Gene: ABCA4 (ATP binding cassette subfamily A member 4; minus strand). Cytogenetic location: 1p22.1.
Variant type: single nucleotide variant.
Coding change: c.4103G>A on transcript NM_000350.3 (MANE Select); coding-DNA position 4103, G replaced by A.
Protein change: p.Arg1368His; replaces arginine 1368 with histidine.
Molecular consequence: missense variant.
Genome position (GRCh38, 1-based): chr1:94,031,803, C>T on the plus strand (G>A on the coding strand, the complement: ABCA4 is on the minus strand). VCF-style: chr1-94031803-C-T. GRCh37 (hg19) VCF-style: chr1-94497359-C-T.
Other names: c.3881G>A, p.Arg1294His (NM_001425324.1); short protein forms R1368H, R1294H.
Identifiers: ClinVar variation 1479388 (VCV001479388.9), dbSNP rs761163530, ClinGen allele CA957727.
Genomic context (GRCh38, chr1:94,031,803, plus strand): 5'-ACTGAGCTCAGCTAAACACCGACCGACAATAGTACCTGCGCCAGGAAGTCCTTGTGGCTG[C>T]GGATGGTGTGTTGGAATCTCTTGACCAGCAGCGCCTGCACATGCTGGAGGACCAGCTGTG-3'
Protein context (NP_000341.2, residues 1358-1378): LLVKRFQHTI[Arg1368His]SHKDFLAQIV